The following is an entry in ClinVar:

ClinVar aggregate classification (germline): Uncertain significance (1 of 4 stars; one submission).

Conditions:
Primary ciliary dyskinesia 33. Also called: CILIARY DYSKINESIA, PRIMARY, 33, WITHOUT SITUS INVERSUS. Identifiers: Orphanet 244, MedGen C4225230, MONDO:0014750, OMIM 616726.

gnomAD v4.1: 8 of 1,613,332 alleles (0.0005%); highest among the groups gnomAD compares: Middle Eastern, 0.017%; no homozygotes.

Submission:

Labcorp Genetics (formerly Invitae), Labcorp
Classification: Uncertain significance for Primary ciliary dyskinesia 33. Last evaluated: 2022-06-04. Review status: criteria provided, single submitter. Criteria: Invitae Variant Classification Sherloc (09022015). Collection method: clinical testing. Allele origin: germline.
Comment: This sequence change replaces threonine, which is neutral and polar, with lysine, which is basic and polar, at codon 437 of the GAS8 protein (p.Thr437Lys). This variant is not present in population databases (gnomAD no frequency). This variant has not been reported in the literature in individuals affected with GAS8-related conditions. ClinVar contains an entry for this variant (Variation ID: 1409471). Algorithms developed to predict the effect of missense changes on protein structure and function are either unavailable or do not agree on the potential impact of this missense change (SIFT: "Deleterious"; PolyPhen-2: "Probably Damaging"; Align-GVGD: "Class C0"). In summary, the available evidence is currently insufficient to determine the role of this variant in disease. Therefore, it has been classified as a Variant of Uncertain Significance.

NM_001481.3(GAS8):c.1310C>A (p.Thr437Lys)

Gene: GAS8 (growth arrest specific 8; plus strand). Cytogenetic location: 16q24.3.
Variant type: single nucleotide variant.
Coding change: c.1310C>A on transcript NM_001481.3 (MANE Select); coding-DNA position 1310, C replaced by A.
Protein change: p.Thr437Lys; replaces threonine 437 with lysine.
Molecular consequence: missense variant. On other transcripts: non-coding transcript variant (1).
Genome position (GRCh38, 1-based): chr16:90,043,218, C>A. VCF-style: chr16-90043218-C-A. GRCh37 (hg19) VCF-style: chr16-90109626-C-A.
Other names: c.1061C>A, p.Thr354Lys (NM_001286205.2); c.734C>A, p.Thr245Lys (NM_001286208.2); c.1235C>A, p.Thr412Lys (NM_001286209.2); short protein forms T437K, T245K, T354K, T412K.
Identifiers: ClinVar variation 1409471 (VCV001409471.5), dbSNP rs145191565, ClinGen allele CA286670777.
Genomic context (GRCh38, chr16:90,043,218, plus strand): 5'-GGGACCCTCAGCTCCCTGACACTGCCCTGTCTCCACAGGCCCATAACGACCTGCTGCGCA[C>A]GTATGAGGCAAAGCTGCTGGCCTTCGGGATCCCTCTGGACAACGTGGGCTTCAAGCCCTT-3'
Protein context (NP_001472.1, residues 427-447): VCKAHNDLLR[Thr437Lys]YEAKLLAFGI